The following is an entry in ClinVar:

ClinVar aggregate classification (germline): Uncertain significance. Review status: criteria provided, multiple submitters, no conflicts (2 of 4 stars). 3 submissions from 3 submitters: Uncertain significance (2). 1 of the submissions does not count toward it. Last evaluated 2025-10-17.

Conditions:
Myopathy, lactic acidosis, and sideroblastic anemia 1 (MLASA1). Identifiers: Orphanet 2598, MedGen C4551958, MONDO:0024553, OMIM 600462.
Inborn genetic diseases. Identifiers: MedGen C0950123, MeSH D030342.

Allele frequency attached by ClinVar (database versions not stated): gnomAD 0.00002; gnomAD exomes 0.00003; TOPMed 0.00003; ExAC 0.00005.

Submissions (3):

Ambry Genetics
Classification: Uncertain significance for Inborn genetic diseases. Last evaluated: 2025-10-17. Review status: criteria provided, single submitter. Criteria: Ambry Variant Classification Scheme 2023. Collection method: clinical testing. Allele origin: germline.

GeneDx
Classification: Uncertain significance. Last evaluated: 2012-09-24. Review status: criteria provided, single submitter. Criteria: GeneDx Variant Classification (06012015). Collection method: clinical testing. Allele origin: germline. Affected: yes.
Comment: p.Arg46Trp (CGG>TGG):c.136 C>T in exon 2 of the PUS1 gene (NM_025215.5) A variant of unknown significance has been identified in the PUS1 gene. The R46W missense substitution has not been published as a mutation, nor has it been reported as a benign polymorphism to our knowledge. The amino acid change is non-conservative in that a positively charged Arginine residue is replaced by an uncharged Tryptophan residue. This change occurs at a position in the PUS1 protein that is not highly conserved. In-silico analyses are not consistent in their predictions of whether or not R46W is damaging to the PUS1 protein. Therefore, based on the currently available information it is unclear whether R46W is a disease causing mutation or a rare benign variant. The variant is found in MITONUC-MITOP panel(s).

Natera, Inc.
Classification: Uncertain significance for Myopathy, lactic acidosis, and sideroblastic anemia 1. Last evaluated: 2019-10-28. Review status: no assertion criteria provided. Collection method: clinical testing. Allele origin: germline. Not counted in ClinVar's aggregate classification.

NM_025215.6(PUS1):c.136C>T (p.Arg46Trp)

Genes: PUS1 (pseudouridine synthase 1; plus strand), LOC130009240 (ATAC-STARR-seq lymphoblastoid silent region 5107; plus strand). Cytogenetic location: 12q24.33.
Variant type: single nucleotide variant.
Coding change: c.136C>T on transcript NM_025215.6 (MANE Select); coding-DNA position 136, C replaced by T.
Protein change: p.Arg46Trp; replaces arginine 46 with tryptophan.
Molecular consequence: missense variant.
Genome position (GRCh38, 1-based): chr12:131,929,968, C>T. VCF-style: chr12-131929968-C-T. GRCh37 (hg19) VCF-style: chr12-132414513-C-T.
Other names: p.R46W:CGG>TGG; c.52C>T, p.Arg18Trp (NM_001002019.3, NM_001002020.3); short protein forms R18W, R46W.
Identifiers: ClinVar variation 215044 (VCV000215044.4), dbSNP rs765257355, ClinGen allele CA319955.